The following is an entry in ClinVar:

ClinVar aggregate classification (germline): Benign. Review status: criteria provided, multiple submitters, no conflicts (2 of 4 stars). 4 submissions from 4 submitters: Benign (4). Last evaluated 2021-05-05.

Conditions:
Dicarboxylic aminoaciduria (DCBXA). Also called: GLUTAMATE-ASPARTATE TRANSPORT DEFECT. Identifiers: Orphanet 2195, MedGen C1857253, MONDO:0009110, OMIM 222730.

Allele frequency attached by ClinVar (database versions not stated): ESP Exome Variant Server 0.00062; gnomAD 0.00222 and 0.00324; TOPMed 0.00324; ExAC 0.00629; 1000 Genomes Project 30x 0.01936; 1000 Genomes Project 0.02017.
gnomAD v4.1: 3,434 of 1,558,868 alleles (0.22%); highest among the groups gnomAD compares: East Asian, 6.2%; 114 homozygotes.

Submissions (4):

GeneDx
Classification: Benign. Last evaluated: 2021-05-05. Review status: criteria provided, single submitter. Criteria: GeneDx Variant Classification Process June 2021. Collection method: clinical testing. Allele origin: germline. Affected: yes.

Labcorp Genetics (formerly Invitae), Labcorp
Classification: Benign. Last evaluated: 2019-12-31. Review status: criteria provided, single submitter. Criteria: Invitae Variant Classification Sherloc (09022015). Collection method: clinical testing. Allele origin: germline.

Illumina Laboratory Services, Illumina
Classification: Benign for Dicarboxylic aminoaciduria. Last evaluated: 2018-01-13. Review status: criteria provided, single submitter. Criteria: ICSL Variant Classification Criteria 13 December 2019. Collection method: clinical testing. Allele origin: germline.
Comment: This variant was observed in the ICSL laboratory as part of a predisposition screen in an ostensibly healthy population. It had not been previously curated by ICSL or reported in the Human Gene Mutation Database (HGMD: prior to June 1st, 2018), and was therefore a candidate for classification through an automated scoring system. Utilizing variant allele frequency, disease prevalence and penetrance estimates, and inheritance mode, an automated score was calculated to assess if this variant is too frequent to cause the disease. Based on the score and internal cut-off values, a variant classified as benign is not then subjected to further curation. The score for this variant resulted in a classification of benign for this disease.

Breakthrough Genomics
Classification: Benign. Review status: criteria provided, single submitter. Criteria: ACMG Guidelines, 2015. Collection method: not provided. Allele origin: germline. Inheritance: Autosomal recessive inheritance. Affected: yes.

NM_004170.6(SLC1A1):c.582+6A>G

Gene: SLC1A1 (solute carrier family 1 member 1; plus strand). Cytogenetic location: 9p24.2.
Variant type: single nucleotide variant.
Coding change: c.582+6A>G on transcript NM_004170.6 (MANE Select); 6 bases into the intron after coding-DNA position 582, A replaced by G.
Molecular consequence: intron variant.
Genome position (GRCh38, 1-based): chr9:4,567,773, A>G. VCF-style: chr9-4567773-A-G. GRCh37 (hg19) VCF-style: chr9-4567773-A-G.
Identifiers: ClinVar variation 367046 (VCV000367046.12), dbSNP rs76311603, ClinGen allele CA4969056.